The following is an entry in ClinVar:

ClinVar aggregate classification (germline): Pathogenic (1 of 4 stars; one submission).

Conditions:
ERCC2-related disorder. Also called: ERCC2-related conditions; ERCC2-related condition; ERCC2-related disorders. Identifiers: MedGen CN239291.

Submission:

Myriad Genetics, Inc.
Classification: Pathogenic for ERCC2-related disorder. Last evaluated: 2024-08-13. Review status: criteria provided, single submitter. Criteria: Myriad Autosomal Dominant, Autosomal Recessive and X-Linked Classification Criteria (2023). Collection method: clinical testing. Allele origin: unknown.
Comment: NM_000400.3(ERCC2):c.895_896dupCG(E300Gfs*35) is expected to be pathogenic in the context of ERCC2-related disorders. This variant is predicted to lead to an abnormal or absent protein product due to the creation of a premature termination codon in ERCC2, a gene where loss-of-function variants are known to be pathogenic. Please note: this variant was assessed in the context of healthy population screening.

NM_000400.4(ERCC2):c.895_896dup (p.Glu300fs)

Gene: ERCC2 (ERCC excision repair 2, TFIIH core complex helicase subunit; minus strand). Cytogenetic location: 19q13.32.
Variant type: Duplication.
Coding change: c.895_896dup on transcript NM_000400.4 (MANE Select); coding-DNA positions 895 to 896, 2 bases duplicated (CG; older notation c.895_896dupCG).
Protein change: p.Glu300fs; shifts the reading frame from glutamic acid 300.
Molecular consequence: frameshift variant. On other transcripts: non-coding transcript variant (3).
Genome position (GRCh38, 1-based): chr19:45,364,039-45,364,040, CG duplicated on the plus strand (CG on the coding strand, the reverse complement: ERCC2 is on the minus strand). VCF-style (leftmost placement, unchanged base first): chr19-45364038-C-CCG. GRCh37 (hg19) VCF-style: chr19-45867296-C-CCG.
Other names: c.823_824dup, p.Glu276fs (NM_001130867.2, NM_001440355.1); c.817_818dup, p.Glu274fs (NM_001440356.1); c.772_773dup, p.Glu259fs (NM_001440357.1); short protein forms E259fs, E274fs, E276fs, E300fs.
Identifiers: ClinVar variation 5013451 (VCV005013451.1).